The following is an entry in ClinVar:

ClinVar aggregate classification (germline): Uncertain significance (1 of 4 stars; one submission).

gnomAD v4.1: 10 of 1,598,378 alleles (0.00063%); highest among the groups gnomAD compares: African/African-American, 0.0013%; no homozygotes.

Submission:

GeneDx
Classification: Uncertain significance. Last evaluated: 2025-03-19. Review status: criteria provided, single submitter. Criteria: GeneDx Variant Classification Process June 2021. Collection method: clinical testing. Allele origin: germline. Affected: yes.
Comment: Not observed at significant frequency in large population cohorts (gnomAD); In silico analysis indicates that this missense variant does not alter protein structure/function; Has not been previously published as pathogenic or benign to our knowledge

NM_012301.4(MAGI2):c.2618G>A (p.Gly873Glu)

Gene: MAGI2 (membrane associated guanylate kinase, WW and PDZ domain containing 2; minus strand). Cytogenetic location: 7q21.11.
Variant type: single nucleotide variant.
Coding change: c.2618G>A on transcript NM_012301.4 (MANE Select); coding-DNA position 2618, G replaced by A.
Protein change: p.Gly873Glu; replaces glycine 873 with glutamic acid.
Molecular consequence: missense variant.
Genome position (GRCh38, 1-based): chr7:78,160,252, C>T on the plus strand (G>A on the coding strand, the complement: MAGI2 is on the minus strand). VCF-style: chr7-78160252-C-T. GRCh37 (hg19) VCF-style: chr7-77789569-C-T.
Other names: c.2576G>A, p.Gly859Glu (NM_001301128.2); short protein forms G873E, G859E.
Identifiers: ClinVar variation 4088127 (VCV004088127.1).